The following is an entry in ClinVar:

NM_004006.3(DMD):c.3157A>G (p.Ile1053Val)

Gene: DMD (dystrophin; minus strand). Cytogenetic location: Xp21.1.
Variant type: single nucleotide variant.
Coding change: c.3157A>G on transcript NM_004006.3 (MANE Select); coding-DNA position 3157, A replaced by G.
Protein change: p.Ile1053Val; replaces isoleucine 1053 with valine.
Molecular consequence: missense variant.
Genome position (GRCh38, 1-based): chrX:32,468,503, T>C on the plus strand (A>G on the coding strand, the complement: DMD is on the minus strand). VCF-style: chrX-32468503-T-C. GRCh37 (hg19) VCF-style: chrX-32486620-T-C.
Other names: c.3133A>G, p.Ile1045Val (NM_000109.4); c.3145A>G, p.Ile1049Val (NM_004009.3); c.2788A>G, p.Ile930Val (NM_004010.3); short protein forms I1045V, I1049V, I1053V, I930V.
Identifiers: ClinVar variation 3620359 (VCV003620359.2).

ClinVar aggregate classification (germline): Uncertain significance (1 of 4 stars; one submission).

Conditions:
Duchenne muscular dystrophy (DMD). Also called: MUSCULAR DYSTROPHY, PSEUDOHYPERTROPHIC PROGRESSIVE, DUCHENNE TYPE; Duchenne Muscular Dystrophy (DMD). Identifiers: Orphanet 98896, MedGen C0013264, MONDO:0010679, OMIM 310200.

gnomAD v4.1: 1 of 1,203,181 alleles (0.000083%); highest among the groups gnomAD compares: African/African-American, 0.0017%; no homozygotes.

Submission:

Labcorp Genetics (formerly Invitae), Labcorp
Classification: Uncertain significance for Duchenne muscular dystrophy. Last evaluated: 2026-02-03. Review status: criteria provided, single submitter. Criteria: Invitae Variant Classification Sherloc (09022015). Collection method: clinical testing. Allele origin: germline.
Comment: This sequence change replaces isoleucine, which is neutral and non-polar, with valine, which is neutral and non-polar, at codon 1053 of the DMD protein (p.Ile1053Val). This variant is not present in population databases (gnomAD no frequency). This variant has not been reported in the literature in individuals affected with DMD-related conditions. ClinVar contains an entry for this variant (Variation ID: 3620359). Invitae Evidence Modeling of protein sequence and biophysical properties (such as structural, functional, and spatial information, amino acid conservation, physicochemical variation, residue mobility, and thermodynamic stability) indicates that this missense variant is not expected to disrupt DMD protein function with a negative predictive value of 95%. In summary, the available evidence is currently insufficient to determine the role of this variant in disease. Therefore, it has been classified as a Variant of Uncertain Significance.